The following is an entry in ClinVar:

ClinVar aggregate classification (germline): Likely benign. Review status: criteria provided, multiple submitters, no conflicts (2 of 4 stars). 2 submissions from 2 submitters: Likely benign (2). Last evaluated 2026-01-31.

Conditions:
Autosomal recessive limb-girdle muscular dystrophy type 2J (LGMDR10). Also called: MUSCULAR DYSTROPHY, LIMB-GIRDLE, AUTOSOMAL RECESSIVE 10; Limb-girdle muscular dystrophy, type 2J. Identifiers: Orphanet 140922, MedGen C1837342, MONDO:0012127, OMIM 608807.
Dilated cardiomyopathy 1G (CMD1G). Identifiers: Orphanet 154, MedGen C1858763, MONDO:0011400, OMIM 604145.

Allele frequency attached by ClinVar (database versions not stated): gnomAD 0.00001; TOPMed 0.00002.
gnomAD v4.1: 15 of 1,612,992 alleles (0.00093%); highest among the groups gnomAD compares: Admixed American, 0.023%; no homozygotes.

Submissions (2):

Labcorp Genetics (formerly Invitae), Labcorp
Classification: Likely benign for Dilated cardiomyopathy 1G; Autosomal recessive limb-girdle muscular dystrophy type 2J. Last evaluated: 2026-01-31. Review status: criteria provided, single submitter. Criteria: Invitae Variant Classification Sherloc (09022015). Collection method: clinical testing. Allele origin: germline.

GeneDx
Classification: Likely benign. Last evaluated: 2017-09-19. Review status: criteria provided, single submitter. Criteria: GeneDx Variant Classification (06012015). Collection method: clinical testing. Allele origin: germline. Affected: yes.
Comment: This variant is considered likely benign or benign based on one or more of the following criteria: it is a conservative change, it occurs at a poorly conserved position in the protein, it is predicted to be benign by multiple in silico algorithms, and/or has population frequency not consistent with disease.

NM_001267550.2(TTN):c.107097A>C (p.Ser35699=)

Genes: TTN-AS1 (TTN antisense RNA 1; plus strand), TTN (titin; minus strand). Cytogenetic location: 2q31.2.
Variant type: single nucleotide variant.
Coding change: c.107097A>C on transcript NM_001267550.2 (MANE Select); coding-DNA position 107097, A replaced by C.
Protein change: p.Ser35699=; no amino-acid change (serine 35699 retained).
Molecular consequence: synonymous variant.
Genome position (GRCh38, 1-based): chr2:178,528,654, T>G on the plus strand (A>C on the coding strand, the complement: TTN is on the minus strand). VCF-style: chr2-178528654-T-G. GRCh37 (hg19) VCF-style: chr2-179393381-T-G.
Other names: c.102174A>C, p.Ser34058= (NM_001256850.1); c.79902A>C, p.Ser26634= (NM_003319.4); c.99393A>C, p.Ser33131= (NM_133378.4); c.80277A>C, p.Ser26759= (NM_133432.3); c.80478A>C, p.Ser26826= (NM_133437.4).
Identifiers: ClinVar variation 512258 (VCV000512258.10), dbSNP rs771821464, ClinGen allele CA1985001.